The following is an entry in ClinVar:

NM_144997.7(FLCN):c.1417G>C (p.Val473Leu)

Gene: FLCN (folliculin; minus strand). Cytogenetic location: 17p11.2.
Variant type: single nucleotide variant.
Coding change: c.1417G>C on transcript NM_144997.7 (MANE Select); coding-DNA position 1417, G replaced by C.
Protein change: p.Val473Leu; replaces valine 473 with leucine.
Molecular consequence: missense variant.
Genome position (GRCh38, 1-based): chr17:17,215,200, C>G on the plus strand (G>C on the coding strand, the complement: FLCN is on the minus strand). VCF-style: chr17-17215200-C-G. GRCh37 (hg19) VCF-style: chr17-17118514-C-G.
Other names: c.1471G>C, p.Val491Leu (NM_001353229.2); c.1417G>C, p.Val473Leu (NM_001353230.2, NM_001353231.2); short protein forms V473L, V491L.
Identifiers: ClinVar variation 3644159 (VCV003644159.2).

ClinVar aggregate classification (germline): Uncertain significance (1 of 4 stars; one submission).

Conditions:
Birt-Hogg-Dube syndrome. Also called: Birt Hogg Dubé syndrome. Identifiers: Orphanet 122, MedGen C0346010, MONDO:0800444.

Submission:

Labcorp Genetics (formerly Invitae), Labcorp
Classification: Uncertain significance for Birt-Hogg-Dube syndrome. Last evaluated: 2024-03-02. Review status: criteria provided, single submitter. Criteria: Invitae Variant Classification Sherloc (09022015). Collection method: clinical testing. Allele origin: germline.
Comment: This sequence change replaces valine, which is neutral and non-polar, with leucine, which is neutral and non-polar, at codon 473 of the FLCN protein (p.Val473Leu). This variant is not present in population databases (gnomAD no frequency). This variant has not been reported in the literature in individuals affected with FLCN-related conditions. Advanced modeling of protein sequence and biophysical properties (such as structural, functional, and spatial information, amino acid conservation, physicochemical variation, residue mobility, and thermodynamic stability) performed at Invitae indicates that this missense variant is not expected to disrupt FLCN protein function with a negative predictive value of 80%. In summary, the available evidence is currently insufficient to determine the role of this variant in disease. Therefore, it has been classified as a Variant of Uncertain Significance.